The following is an entry in ClinVar:

ClinVar aggregate classification (germline): Uncertain significance. Review status: criteria provided, multiple submitters, no conflicts (2 of 4 stars). 3 submissions from 3 submitters: Uncertain significance (3). Last evaluated 2026-08-14.

Conditions:
Dilated cardiomyopathy 1G (CMD1G). Identifiers: Orphanet 154, MedGen C1858763, MONDO:0011400, OMIM 604145.
Autosomal recessive limb-girdle muscular dystrophy type 2J (LGMDR10). Also called: Limb-girdle muscular dystrophy, type 2J; MUSCULAR DYSTROPHY, LIMB-GIRDLE, AUTOSOMAL RECESSIVE 10. Identifiers: Orphanet 140922, MedGen C1837342, MONDO:0012127, OMIM 608807.

Submissions (3):

GeneDx
Classification: Uncertain significance. Last evaluated: 2026-08-14. Review status: criteria provided, single submitter. Criteria: GeneDx Variant Classification Process June 2021. Collection method: clinical testing. Allele origin: germline.
Comment: Not observed at significant frequency in large population cohorts (gnomAD); Missense variant in a gene in which most reported pathogenic variants are truncating/loss of function; Has not been previously published as pathogenic or benign to our knowledge

Revvity Omics, Revvity
Classification: Uncertain significance. Last evaluated: 2019-07-01. Review status: criteria provided, single submitter. Criteria: ACMG Guidelines, 2015. Collection method: clinical testing. Allele origin: germline.

Labcorp Genetics (formerly Invitae), Labcorp
Classification: Uncertain significance for Dilated cardiomyopathy 1G; Autosomal recessive limb-girdle muscular dystrophy type 2J. Last evaluated: 2017-04-26. Review status: criteria provided, single submitter. Criteria: Invitae Variant Classification Sherloc (09022015). Collection method: clinical testing. Allele origin: germline.

NM_001267550.2(TTN):c.48052G>A (p.Ala16018Thr)

Genes: TTN (titin; minus strand), TTN-AS1 (TTN antisense RNA 1; plus strand). Cytogenetic location: 2q31.2.
Variant type: single nucleotide variant.
Coding change: c.48052G>A on transcript NM_001267550.2 (MANE Select); coding-DNA position 48052, G replaced by A.
Protein change: p.Ala16018Thr; replaces alanine 16018 with threonine.
Molecular consequence: missense variant.
Genome position (GRCh38, 1-based): chr2:178,616,837, C>T on the plus strand (G>A on the coding strand, the complement: TTN is on the minus strand). VCF-style: chr2-178616837-C-T. GRCh37 (hg19) VCF-style: chr2-179481564-C-T.
Other names: c.48052G>A (NM_001267550.1); c.43129G>A, p.Ala14377Thr (NM_001256850.1); c.20857G>A, p.Ala6953Thr (NM_003319.4); c.40348G>A, p.Ala13450Thr (NM_133378.4); c.21232G>A, p.Ala7078Thr (NM_133432.3); c.21433G>A, p.Ala7145Thr (NM_133437.4); short protein forms A16018T, A13450T, A7078T, A14377T, A6953T, A7145T.
Identifiers: ClinVar variation 467197 (VCV000467197.8), dbSNP rs1451009964, ClinGen allele CA349612255.